The following is an entry in ClinVar:

NM_152564.5(VPS13B):c.6077T>A (p.Leu2026Ter)

Gene: VPS13B (vacuolar protein sorting 13 homolog B; plus strand). Cytogenetic location: 8q22.2.
Variant type: single nucleotide variant.
Coding change: c.6077T>A on transcript NM_152564.5 (MANE Select); coding-DNA position 6077, T replaced by A.
Protein change: p.Leu2026Ter; replaces leucine 2026 with a stop codon.
Molecular consequence: nonsense.
Genome position (GRCh38, 1-based): chr8:99,699,555, T>A. VCF-style: chr8-99699555-T-A. GRCh37 (hg19) VCF-style: chr8-100711783-T-A.
Other names: c.6152T>A, p.Leu2051Ter (NM_017890.5); short protein forms L2051*, L2026*.
Identifiers: ClinVar variation 1382350 (VCV001382350.6), dbSNP rs1293372026, ClinGen allele CA371873901.

ClinVar aggregate classification (germline): Pathogenic (1 of 4 stars; one submission).

Conditions:
Cohen syndrome (COH1). Also called: Cutis verticis gyrata, retinitis pigmentosa, and sensorineural deafness; PEPPER SYNDROME. Identifiers: Orphanet 193, MedGen C0265223, MONDO:0008999, OMIM 216550.

Allele frequency attached by ClinVar (database versions not stated): gnomAD 0.00001.
gnomAD v4.1: 1 of 1,613,884 alleles (0.000062%); highest among the groups gnomAD compares: Non-Finnish European, 0.000085%; no homozygotes.

Submission:

Labcorp Genetics (formerly Invitae), Labcorp
Classification: Pathogenic for Cohen syndrome. Last evaluated: 2021-02-15. Review status: criteria provided, single submitter. Criteria: Invitae Variant Classification Sherloc (09022015). Collection method: clinical testing. Allele origin: germline.
Comment: This variant is not present in population databases (ExAC no frequency). For these reasons, this variant has been classified as Pathogenic. This variant has not been reported in the literature in individuals with VPS13B-related conditions. This sequence change creates a premature translational stop signal (p.Leu2051*) in the VPS13B gene. It is expected to result in an absent or disrupted protein product. Loss-of-function variants in VPS13B are known to be pathogenic (PMID: 15141358, 16648375, 20461111).

Literature cited by the submitters: PubMed 15141358; PubMed 16648375; PubMed 20461111.